The following is an entry in ClinVar:

NM_001134831.2(AHI1):c.986G>T (p.Arg329Leu)

Gene: AHI1 (Abelson helper integration site 1; minus strand). Cytogenetic location: 6q23.3.
Variant type: single nucleotide variant.
Coding change: c.986G>T on transcript NM_001134831.2 (MANE Select); coding-DNA position 986, G replaced by T.
Protein change: p.Arg329Leu; replaces arginine 329 with leucine.
Molecular consequence: missense variant.
Genome position (GRCh38, 1-based): chr6:135,457,659, C>A on the plus strand (G>T on the coding strand, the complement: AHI1 is on the minus strand). VCF-style: chr6-135457659-C-A. GRCh37 (hg19) VCF-style: chr6-135778797-C-A.
Other names: c.986G>T, p.Arg329Leu (NM_001134830.2, NM_001134832.2, NM_001350503.2 and 2 more transcripts); short protein forms R329L.
Identifiers: ClinVar variation 284422 (VCV000284422.27), dbSNP rs139944375, ClinGen allele CA4012693.
Genomic context (GRCh38, chr6:135,457,659, plus strand): 5'-ATGTAAACTCCCAAGACAAGGTCATCATCAAGCAAACATTTGGGATAAACCGGGCTATCT[C>A]GGCTTGTTATTTCATGAACACCATCACCATCAACATCTTCATTATTATCTGCAACTACAC-3'
Protein context (NP_001128303.1, residues 319-339): DGDGVHEITS[Arg329Leu]DSPVYPKCLL

ClinVar aggregate classification (germline): Conflicting classifications of pathogenicity. Review status: criteria provided, conflicting classifications (1 of 4 stars). 7 submissions from 7 submitters: Uncertain significance (3); Benign (1); Likely benign (2). 1 of the submissions does not count toward it. Last evaluated 2026-01-31.

Conditions:
AHI1-related disorder. Also called: AHI1-related condition.
Joubert syndrome 3 (JBTS3). Also called: AHI1-related Ciliopathy. Identifiers: Orphanet 220493, MedGen C1837713, MONDO:0012078, OMIM 608629.
Joubert syndrome. Also called: Familial aplasia of the vermis; JOUBERT-BOLTSHAUSER SYNDROME. Identifiers: Orphanet 475, MedGen C5979921, MONDO:0018772.

Allele frequency attached by ClinVar (database versions not stated): ESP Exome Variant Server 0.00083; 1000 Genomes Project 30x 0.00094; 1000 Genomes Project 0.00100; gnomAD 0.00103 and 0.00111; TOPMed 0.00111.
gnomAD v4.1: 308 of 1,613,868 alleles (0.019%); highest among the groups gnomAD compares: African/African-American, 0.37%; no homozygotes.

Submissions (7):

Labcorp Genetics (formerly Invitae), Labcorp
Classification: Likely benign for Joubert syndrome. Last evaluated: 2026-01-31. Review status: criteria provided, single submitter. Criteria: Invitae Variant Classification Sherloc (09022015). Collection method: clinical testing. Allele origin: germline.

Blueprint Genetics
Classification: Benign. Last evaluated: 2024-08-30. Review status: criteria provided, single submitter. Criteria: ACMG Guidelines, 2015. Collection method: clinical testing. Allele origin: germline.

Baylor Genetics
Classification: Uncertain significance for Joubert syndrome 3. Last evaluated: 2019-09-22. Review status: criteria provided, single submitter. Criteria: ACMG Guidelines, 2015. Collection method: clinical testing. Allele origin: unknown. Affected: yes.
Comment: This variant was determined to be of uncertain significance according to ACMG Guidelines, 2015 [PMID:25741868].

GeneDx
Classification: Likely benign. Last evaluated: 2019-01-08. Review status: criteria provided, single submitter. Criteria: GeneDx Variant Classification Process June 2021. Collection method: clinical testing. Allele origin: germline. Affected: yes.

Illumina Laboratory Services, Illumina
Classification: Uncertain significance for Joubert syndrome 3. Last evaluated: 2018-01-12. Review status: criteria provided, single submitter. Criteria: ICSL Variant Classification Criteria 13 December 2019. Collection method: clinical testing. Allele origin: germline.

Eurofins Ntd Llc (ga)
Classification: Uncertain significance. Last evaluated: 2015-11-06. Review status: criteria provided, single submitter. Criteria: EGL Classification Definitions 2015. Collection method: clinical testing. Allele origin: germline. Observed: 1 variant allele, 1 heterozygote.

PreventionGenetics, part of Exact Sciences
Classification: Likely benign for AHI1-related condition. Last evaluated: 2022-04-06. Review status: no assertion criteria provided. Collection method: clinical testing. Allele origin: germline. Not counted in ClinVar's aggregate classification.
Comment: This variant is classified as likely benign based on ACMG/AMP sequence variant interpretation guidelines (Richards et al. 2015 PMID: 25741868, with internal and published modifications).